The following is an entry in ClinVar:

ClinVar aggregate classification (germline): Uncertain significance (1 of 4 stars; one submission).

Submission:

CeGaT Center for Human Genetics Tuebingen
Classification: Uncertain significance. Last evaluated: 2025-05-01. Review status: criteria provided, single submitter. Criteria: CeGaT Center For Human Genetics Tuebingen Variant Classification Criteria Version 2. Collection method: clinical testing. Allele origin: germline. Affected: yes. Observed: 1 variant allele.
Comment: CXXC1: PM1, PP2

NM_014593.4(CXXC1):c.611G>A (p.Arg204Gln)

Gene: CXXC1 (CXXC finger protein 1; minus strand). Cytogenetic location: 18q21.1.
Variant type: single nucleotide variant.
Coding change: c.611G>A on transcript NM_014593.4 (MANE Select); coding-DNA position 611, G replaced by A.
Protein change: p.Arg204Gln; replaces arginine 204 with glutamine.
Molecular consequence: missense variant.
Genome position (GRCh38, 1-based): chr18:50,285,777, C>T on the plus strand (G>A on the coding strand, the complement: CXXC1 is on the minus strand). VCF-style: chr18-50285777-C-T. GRCh37 (hg19) VCF-style: chr18-47812147-C-T.
Other names: c.611G>A, p.Arg204Gln (NM_001101654.2); short protein forms R204Q.
Identifiers: ClinVar variation 3905978 (VCV003905978.10).